The following is an entry in ClinVar:

NM_003680.4(YARS1):c.542C>A (p.Ala181Asp)

Gene: YARS1 (tyrosyl-tRNA synthetase 1; minus strand). Cytogenetic location: 1p35.1.
Variant type: single nucleotide variant.
Coding change: c.542C>A on transcript NM_003680.4 (MANE Select); coding-DNA position 542, C replaced by A.
Protein change: p.Ala181Asp; replaces alanine 181 with aspartic acid.
Molecular consequence: missense variant.
Genome position (GRCh38, 1-based): chr1:32,797,812, G>T on the plus strand (C>A on the coding strand, the complement: YARS1 is on the minus strand). VCF-style: chr1-32797812-G-T. GRCh37 (hg19) VCF-style: chr1-33263413-G-T.
Other names: short protein forms A181D.
Identifiers: ClinVar variation 640220 (VCV000640220.9), dbSNP rs1191925938, ClinGen allele CA339686605.

ClinVar aggregate classification (germline): Uncertain significance. Review status: criteria provided, multiple submitters, no conflicts (2 of 4 stars). 2 submissions from 2 submitters: Uncertain significance (2). Last evaluated 2023-06-18.

Conditions:
Inborn genetic diseases. Identifiers: MedGen C0950123, MeSH D030342.
Charcot-Marie-Tooth disease dominant intermediate C (CMTDIC). Also called: CHARCOT-MARIE-TOOTH NEUROPATHY, DOMINANT INTERMEDIATE C. Identifiers: Orphanet 100045, MedGen C1842237, MONDO:0012012, OMIM 608323.

Allele frequency attached by ClinVar (database versions not stated): TOPMed 0.00001.
gnomAD v4.1: 1 of 1,614,024 alleles (0.000062%); highest among the groups gnomAD compares: Non-Finnish European, 0.000085%; no homozygotes.

Submissions (2):

Labcorp Genetics (formerly Invitae), Labcorp
Classification: Uncertain significance for Charcot-Marie-Tooth disease dominant intermediate C. Last evaluated: 2023-06-18. Review status: criteria provided, single submitter. Criteria: Invitae Variant Classification Sherloc (09022015). Collection method: clinical testing. Allele origin: germline.
Comment: This sequence change replaces alanine, which is neutral and non-polar, with aspartic acid, which is acidic and polar, at codon 181 of the YARS protein (p.Ala181Asp). This variant is not present in population databases (gnomAD no frequency). In summary, the available evidence is currently insufficient to determine the role of this variant in disease. Therefore, it has been classified as a Variant of Uncertain Significance. Advanced modeling of protein sequence and biophysical properties (such as structural, functional, and spatial information, amino acid conservation, physicochemical variation, residue mobility, and thermodynamic stability) performed at Invitae indicates that this missense variant is expected to disrupt YARS protein function. ClinVar contains an entry for this variant (Variation ID: 640220). This variant has not been reported in the literature in individuals affected with YARS-related conditions.

Ambry Genetics
Classification: Uncertain significance for Inborn genetic diseases. Last evaluated: 2022-04-08. Review status: criteria provided, single submitter. Criteria: Ambry Variant Classification Scheme 2023. Collection method: clinical testing. Allele origin: germline.
Comment: The p.A181D variant (also known as c.542C>A), located in coding exon 5 of the YARS gene, results from a C to A substitution at nucleotide position 542. The alanine at codon 181 is replaced by aspartic acid, an amino acid with dissimilar properties. This amino acid position is conserved. In addition, this alteration is predicted to be deleterious by in silico analysis. Since supporting evidence is limited at this time, the clinical significance of this alteration remains unclear.